The following is an entry in ClinVar:

NC_012920.1(MT-TS2):m.12257G>A

Gene: MT-TS2 (mitochondrially encoded tRNA serine 2 (AGU/C); plus strand).
Variant type: single nucleotide variant.
Genome position: chrM-12257-G-A.
Identifiers: ClinVar variation 4849726 (VCV004849726.1).

ClinVar aggregate classification (germline): Uncertain significance (1 of 4 stars; one submission).

Conditions:
Retinitis pigmentosa-deafness syndrome. Also called: RETINITIS PIGMENTOSA 21; RETINITIS PIGMENTOSA 8; Retinitis pigmentosa 8, formerly; RP8, formerly; Retinitis pigmentosa 21, formerly; RP21, formerly. Identifiers: MedGen C5779620, MONDO:0010775, OMIM 500004.

Submission:

Diagnostics Services (NGS), CSIR - Centre For Cellular And Molecular Biology
Classification: Uncertain significance for Retinitis pigmentosa-deafness syndrome. Last evaluated: 2025-12-09. Review status: criteria provided, single submitter. Criteria: ACMG Guidelines, 2015. Collection method: clinical testing. Allele origin: germline. Affected: yes. Observed: 1 variant allele, 1 heterozygote.
Comment: The m.12257G>A variant is not present in publicly available population databases like gnomAD v3.1, MITOMAP, HelixMtdb and in our internal databases. This variant has neither been published in literature in individuals affected with MT-TS2 related conditions nor reported to clinical databases like ClinVar, OMIM or MitImpact database, in any affected individuals. In-silico pathogenicity prediction programs like MitoTip, Pon-mt-tRNA, etc predicted this variant to be likely deleterious however these predictions were not confirmed by published functional studies.